The following is an entry in ClinVar:

ClinVar aggregate classification (germline): Pathogenic. Review status: reviewed by expert panel (3 of 4 stars). 21 submissions from 21 submitters: Pathogenic (1). 20 of the submissions do not count toward it. Last evaluated 2019-06-18.

Conditions:
Familial cancer of breast. Also called: BREAST CANCER, FAMILIAL; Hereditary breast cancer; hereditary breast carcinoma. Identifiers: Orphanet 227535, MedGen C0346153, MONDO:0016419, OMIM 114480. Disease mechanism: loss of function.
Breast-ovarian cancer, familial, susceptibility to, 1 (BROVCA1). Also called: OVARIAN CANCER, SUSCEPTIBILITY TO; BRCA1 Hereditary Breast and Ovarian Cancer. Identifiers: Orphanet 145, MedGen C2676676, MONDO:0011450, OMIM 604370. Disease mechanism: loss of function.
Fanconi anemia, complementation group S (FANCS). Identifiers: MedGen C4554406, MONDO:0054748, OMIM 617883.
Hereditary cancer-predisposing syndrome. Also called: Neoplastic Syndromes, Hereditary; Tumor predisposition; Hereditary Cancer Syndrome; Hereditary neoplastic syndrome. Identifiers: Orphanet 140162, MedGen C0027672, MeSH D009386, MONDO:0015356.
Hereditary breast ovarian cancer syndrome. Also called: Hereditary breast and ovarian cancer; Breast and ovarian cancer; Hereditary breast and/or ovarian cancer syndrome; Hereditary breast and ovarian cancer syndrome (HBOC); Hereditary breast and ovarian cancer syndrome; BRCA1- and BRCA2-Associated Hereditary Breast and Ovarian Cancer. Identifiers: Orphanet 145, MedGen C0677776, MeSH D061325, MONDO:0003582. Disease mechanism: loss of function.

Allele frequency attached by ClinVar (database versions not stated): gnomAD exomes below 0.00001.
gnomAD v4.1: 1 of 1,613,792 alleles (0.000062%); highest among the groups gnomAD compares: South Asian, 0.0011%; no homozygotes.

Submissions 1 to 6 of 22:

Evidence-based Network for the Interpretation of Germline Mutant Alleles (ENIGMA)
Classification: Pathogenic for Breast-ovarian cancer, familial, susceptibility to, 1. Last evaluated: 2019-06-18. Review status: reviewed by expert panel. Criteria: ENIGMA BRCA1/2 Classification Criteria (2017-06-29). Collection method: curation. Allele origin: germline.
Comment: IARC class based on posterior probability from multifactorial likelihood analysis, thresholds for class as per Plon et al. 2008 (PMID: 18951446). Class 5 based on posterior probability = 0.991787

CeGaT Center for Human Genetics Tuebingen
Classification: Pathogenic. Last evaluated: 2026-03-01. Review status: criteria provided, single submitter. Criteria: CeGaT Center For Human Genetics Tuebingen Variant Classification Criteria Version 2. Collection method: clinical testing. Allele origin: germline. Affected: yes. Observed: 2 variant alleles. Not counted in ClinVar's aggregate classification.
Comment: BRCA1: PS1, PM2, PM5, PS3:Moderate, PS4:Moderate

Ambry Genetics
Classification: Likely pathogenic for Hereditary cancer-predisposing syndrome. Last evaluated: 2025-12-10. Review status: criteria provided, single submitter. Criteria: Ambry Variant Classification Scheme 2023. Collection method: clinical testing. Allele origin: germline. Not counted in ClinVar's aggregate classification.
Comment: The p.W1837R variant (also known as c.5509T>C), located in coding exon 22 of the BRCA1 gene, results from a T to C substitution at nucleotide position 5509. The tryptophan at codon 1837 is replaced by arginine, an amino acid with dissimilar properties. This variant has been seen in multiple ethnically diverse hereditary breast and ovarian cancer (HBOC) syndrome families (Montagna M et al. Cancer Res. 1996;56:5466-9; Fernandes GC et al. Oncotarget. 2016 Dec;7:80465-80481; Meisel C et al. Arch. Gynecol. Obstet. 2017 May;295(5):1227-1238; Zuntini R et al. Front Genet. 2018 Sep;9:378). In one study, p.W1837R was predicted to be a high-risk variant based on decreased transcription levels, segregation, protease sensitivity, and structural analyses. However, pedigree association analysis suggested that this alteration was not causative, and therefore the authors classified this as a VUS due to the conflicting information (Phelan CM et al. J. Med. Genet. 2005;42:138-46). The p.W1837R variant was also predicted to be likely pathogenic based on functional studies showing 3% structural stability, less than 10% protease sensitivity, roughly 20% binding activity, less than 20% binding specificity, and less than 20% transcription activity (Lee MS et al. Cancer Res. 2010;70:4880-90). One functional study found that this nucleotide substitution is deleterious in a high throughput genome editing haploid cell survival assay (Findlay GM et al. Nature. 2018 10;562(7726):217-222). This alteration has been predicted to be deleterious in several other functional and computational studies as well (Williams RS et al. J. Biol. Chem. 2003; 278:53007-16; Abkevich V et al. J. Med. Genet. 2004;41:492-507; Karchin R et al. PLoS Comput. Biol. 2007;3:e26; Bouwman P et al. Cancer Discov. 2013 Oct;3(10):1142-55; Gaiser OJ et al. Biochemistry. 2004 Dec;43:15983-95; Mirkovic N et al. Cancer Res. 2004 Jun;64:3790-7; Woods NT et al. NPJ Genom Med. 2016 Mar). This variant is considered to be rare based on population cohorts in the Genome Aggregation Database (gnomAD). This amino acid position is highly conserved in available vertebrate species. In addition, this alteration is predicted to be deleterious by in silico analysis. Based on the majority of available evidence to date, this variant is likely to be pathogenic.

Dasa
Classification: Pathogenic for Breast-ovarian cancer, familial, susceptibility to, 1. Last evaluated: 2025-11-12. Review status: criteria provided, single submitter. Criteria: DASA Assertion Criteria. Collection method: clinical testing. Allele origin: germline. Not counted in ClinVar's aggregate classification.
Comment: NM_007294.4(BRCA1):c.5509T>C (p.Trp1837Arg) is a missense variant that results in the substitution of tryptophan with arginine. This variant results in the same amino acid change as a previously established pathogenic variant. Functional evidence supports a deleterious effect on the gene or gene product (PMID: 32546644; PMID: 30765603; PMID: 30257991; PMID: 30209399; PMID: 23867111). This variant has been recurrently observed in individuals with Breast-ovarian cancer, familial, susceptibility to, 1 (PMID: 32546644; PMID: 30765603; PMID: 30257991; PMID: 30209399; PMID: 23867111). Multiple computational predictions support a deleterious effect on the gene or gene product. The variant is present at low frequency in population datasets. Based on the available data, this variant is classified as pathogenic.

Molecular Pathology, Peter Maccallum Cancer Centre
Classification: Pathogenic for Breast-ovarian cancer, familial, susceptibility to, 1. Last evaluated: 2025-05-28. Review status: criteria provided, single submitter. Criteria: ACMG Guidelines, 2015. Collection method: clinical testing. Allele origin: germline. Inheritance: Autosomal dominant inheritance. Not counted in ClinVar's aggregate classification.

Labcorp Genetics (formerly Invitae), Labcorp
Classification: Pathogenic for Hereditary breast ovarian cancer syndrome. Last evaluated: 2024-03-17. Review status: criteria provided, single submitter. Criteria: Invitae Variant Classification Sherloc (09022015). Collection method: clinical testing. Allele origin: germline. Not counted in ClinVar's aggregate classification.
Comment: This sequence change replaces tryptophan, which is neutral and slightly polar, with arginine, which is basic and polar, at codon 1837 of the BRCA1 protein (p.Trp1837Arg). This variant is not present in population databases (gnomAD no frequency). This missense change has been observed in individual(s) with breast and/or ovarian cancer (PMID: 8968102, 11802209, 15689452, 27741520, 28324225; Invitae). It has also been observed to segregate with disease in related individuals. ClinVar contains an entry for this variant (Variation ID: 37679). Advanced modeling performed at Invitae incorporating data from internal and/or published experimental studies (PMID: 30209399) indicates that this missense variant is expected to disrupt BRCA1 function with a positive predictive value of 95%. Experimental studies have shown that this missense change affects BRCA1 function (PMID: 14534301, 15689452, 17305420, 20516115, 23867111, 30209399). For these reasons, this variant has been classified as Pathogenic.

NM_007294.4(BRCA1):c.5509T>C (p.Trp1837Arg)

Gene: BRCA1 (BRCA1 DNA repair associated; minus strand). Cytogenetic location: 17q21.31.
Variant type: single nucleotide variant.
Coding change: c.5509T>C on transcript NM_007294.4 (MANE Select); coding-DNA position 5509, T replaced by C.
Protein change: p.Trp1837Arg; replaces tryptophan 1837 with arginine.
Molecular consequence: missense variant. On other transcripts: 3 prime UTR variant (1), non-coding transcript variant (1).
Genome position (GRCh38, 1-based): chr17:43,045,761, A>G on the plus strand (T>C on the coding strand, the complement: BRCA1 is on the minus strand). VCF-style: chr17-43045761-A-G. GRCh37 (hg19) VCF-style: chr17-41197778-A-G.
Other names: 5628T>C; c.5296T>C, p.Trp1766Arg (NM_001407571.1, NM_001407894.1, NM_001407895.1 and 12 more transcripts); c.5575T>C, p.Trp1859Arg (NM_001407581.1, NM_001407582.1); c.5572T>C, p.Trp1858Arg (NM_001407583.1, NM_001407585.1, NM_001407587.1 and 1 more transcripts); c.5569T>C, p.Trp1857Arg (NM_001407590.1, NM_001407591.1); c.5509T>C, p.Trp1837Arg (NM_001407593.1, NM_001407594.1, NM_001407596.1 and 5 more transcripts); c.5506T>C, p.Trp1836Arg (NM_001407616.1, NM_001407617.1, NM_001407618.1 and 14 more transcripts); c.5503T>C, p.Trp1835Arg (NM_001407635.1, NM_001407636.1, NM_001407637.1 and 13 more transcripts); and 75 more; short protein forms W1837R, W733R, W1858R, W1790R, W1540R, W1541R, W1725R, W1747R.
Identifiers: ClinVar variation 37679 (VCV000037679.66), dbSNP rs80356959, ClinGen allele CA003680.